The following is an entry in ClinVar:

ClinVar aggregate classification (germline): Uncertain significance. Review status: criteria provided, multiple submitters, no conflicts (2 of 4 stars). 2 submissions from 2 submitters: Uncertain significance (2). Last evaluated 2025-04-10.

Conditions:
Inborn genetic diseases. Identifiers: MedGen C0950123, MeSH D030342.

Allele frequency attached by ClinVar (database versions not stated): gnomAD exomes below 0.00001; TOPMed below 0.00001.
gnomAD v4.1: 2 of 1,608,110 alleles (0.00012%); highest among the groups gnomAD compares: Admixed American, 0.0017%; no homozygotes.

Submissions (2):

Ambry Genetics
Classification: Uncertain significance for Inborn genetic diseases. Last evaluated: 2025-04-10. Review status: criteria provided, single submitter. Criteria: Ambry Variant Classification Scheme 2023. Collection method: clinical testing. Allele origin: germline.

Labcorp Genetics (formerly Invitae), Labcorp
Classification: Uncertain significance. Last evaluated: 2022-03-10. Review status: criteria provided, single submitter. Criteria: Invitae Variant Classification Sherloc (09022015). Collection method: clinical testing. Allele origin: germline.
Comment: This sequence change replaces valine, which is neutral and non-polar, with leucine, which is neutral and non-polar, at codon 3289 of the ADGRV1 protein (p.Val3289Leu). This variant is not present in population databases (gnomAD no frequency). This variant has not been reported in the literature in individuals affected with ADGRV1-related conditions. ClinVar contains an entry for this variant (Variation ID: 957707). Algorithms developed to predict the effect of missense changes on protein structure and function output the following: SIFT: "Tolerated"; PolyPhen-2: "Benign"; Align-GVGD: "Class C0". The leucine amino acid residue is found in multiple mammalian species, which suggests that this missense change does not adversely affect protein function. In summary, the available evidence is currently insufficient to determine the role of this variant in disease. Therefore, it has been classified as a Variant of Uncertain Significance.

NM_032119.4(ADGRV1):c.9865G>C (p.Val3289Leu)

Gene: ADGRV1 (adhesion G protein-coupled receptor V1; plus strand). Cytogenetic location: 5q14.3.
Variant type: single nucleotide variant.
Coding change: c.9865G>C on transcript NM_032119.4 (MANE Select); coding-DNA position 9865, G replaced by C.
Protein change: p.Val3289Leu; replaces valine 3289 with leucine.
Molecular consequence: missense variant. On other transcripts: non-coding transcript variant (1).
Genome position (GRCh38, 1-based): chr5:90,724,948, G>C. VCF-style: chr5-90724948-G-C. GRCh37 (hg19) VCF-style: chr5-90020765-G-C.
Other names: short protein forms V3289L.
Identifiers: ClinVar variation 957707 (VCV000957707.8), dbSNP rs1751565608, ClinGen allele CA360402703.